The following is an entry in ClinVar:

NM_017654.4(SAMD9):c.823C>T (p.His275Tyr)

Gene: SAMD9 (sterile alpha motif domain containing 9; minus strand). Cytogenetic location: 7q21.2.
Variant type: single nucleotide variant.
Coding change: c.823C>T on transcript NM_017654.4 (MANE Select); coding-DNA position 823, C replaced by T.
Protein change: p.His275Tyr; replaces histidine 275 with tyrosine.
Molecular consequence: missense variant.
Genome position (GRCh38, 1-based): chr7:93,105,275, G>A on the plus strand (C>T on the coding strand, the complement: SAMD9 is on the minus strand). VCF-style: chr7-93105275-G-A. GRCh37 (hg19) VCF-style: chr7-92734588-G-A.
Other names: c.823C>T, p.His275Tyr (NM_001193307.2); short protein forms H275Y.
Identifiers: ClinVar variation 3949682 (VCV003949682.1).

ClinVar aggregate classification (germline): Uncertain significance (1 of 4 stars; one submission).

Conditions:
Inborn genetic diseases. Identifiers: MedGen C0950123, MeSH D030342.

gnomAD v4.1: 3 of 1,613,638 alleles (0.00019%); highest among the groups gnomAD compares: African/African-American, 0.004%; no homozygotes.

Submission:

Ambry Genetics
Classification: Uncertain significance for Inborn genetic diseases. Last evaluated: 2025-05-27. Review status: criteria provided, single submitter. Criteria: Ambry Variant Classification Scheme 2023. Collection method: clinical testing. Allele origin: germline.
Comment: The p.H275Y variant (also known as c.823C>T), located in coding exon 1 of the SAMD9 gene, results from a C to T substitution at nucleotide position 823. The histidine at codon 275 is replaced by tyrosine, an amino acid with similar properties. This amino acid position is conserved. In addition, this alteration is predicted to be tolerated by in silico analysis. Based on the available evidence, the clinical significance of this variant remains unclear.